The following is an entry in ClinVar:

NM_201384.3(PLEC):c.9288A>G (p.Leu3096=)

Gene: PLEC (plectin; minus strand). Cytogenetic location: 8q24.3.
Variant type: single nucleotide variant.
Coding change: c.9288A>G on transcript NM_201384.3 (MANE Select); coding-DNA position 9288, A replaced by G.
Protein change: p.Leu3096=; no amino-acid change (leucine 3096 retained).
Molecular consequence: synonymous variant.
Genome position (GRCh38, 1-based): chr8:143,920,533, T>C on the plus strand (A>G on the coding strand, the complement: PLEC is on the minus strand). VCF-style: chr8-143920533-T-C. GRCh37 (hg19) VCF-style: chr8-144994701-T-C.
Other names: c.9369A>G, p.Leu3123= (NM_000445.5); c.9246A>G, p.Leu3082= (NM_201378.4); c.9222A>G, p.Leu3074= (NM_201379.3); c.9699A>G, p.Leu3233= (NM_201380.4); c.9192A>G, p.Leu3064= (NM_201381.3); c.9288A>G, p.Leu3096= (NM_201382.4); c.9300A>G, p.Leu3100= (NM_201383.3).
Identifiers: ClinVar variation 497187 (VCV000497187.22), dbSNP rs782397500, ClinGen allele CA4925015.

ClinVar aggregate classification (germline): Conflicting classifications of pathogenicity. Review status: criteria provided, conflicting classifications (1 of 4 stars). 4 submissions from 4 submitters: Uncertain significance (1); Likely benign (3). Last evaluated 2025-08-28.

Conditions:
Epidermolysis bullosa simplex 5C, with pyloric atresia (EBS5C). Also called: PLEC-Related Epidermolysis Bullosa with Pyloric Atresia; Epidermolysis bullosa simplex with pyloric atresia; PLEC1-Related Epidermolysis Bullosa with Pyloric Atresia. Identifiers: Orphanet 158684, MedGen C2677349, MONDO:0012807, OMIM 612138.
Epidermolysis bullosa simplex 5B, with muscular dystrophy (EBS5B). Also called: EPIDERMOLYSIS BULLOSA SIMPLEX AND LIMB-GIRDLE MUSCULAR DYSTROPHY; Epidermolysis bullosa simplex with muscular dystrophy. Identifiers: Orphanet 257, MedGen C2931072, MONDO:0009181, OMIM 226670.
Autosomal recessive limb-girdle muscular dystrophy type 2Q (LGMDR17). Also called: MUSCULAR DYSTROPHY, LIMB-GIRDLE, AUTOSOMAL RECESSIVE 17. Identifiers: Orphanet 254361, MedGen C3150989, MONDO:0013390, OMIM 613723.
Epidermolysis bullosa simplex with nail dystrophy (EBS5D). Identifiers: MedGen C4225309, MONDO:0014661, OMIM 616487.
Epidermolysis bullosa simplex, Ogna type (EBS5A). Also called: Pidermolysis bullosa simplex 5A, Ogna type; EPIDERMOLYSIS BULLOSA SIMPLEX 5A, OGNA TYPE. Identifiers: Orphanet 79401, MedGen C0432317, MONDO:0007555, OMIM 131950.

Allele frequency attached by ClinVar (database versions not stated): gnomAD exomes 0.00002 and 0.00003; TOPMed 0.00002; ExAC 0.00003.
gnomAD v4.1: 51 of 1,611,428 alleles (0.0032%); highest among the groups gnomAD compares: Non-Finnish European, 0.0041%; no homozygotes.

Submissions (4):

Labcorp Genetics (formerly Invitae), Labcorp
Classification: Likely benign for Autosomal recessive limb-girdle muscular dystrophy type 2Q; Epidermolysis bullosa simplex, Ogna type; Epidermolysis bullosa simplex with nail dystrophy; Epidermolysis bullosa simplex 5C, with pyloric atresia; Epidermolysis bullosa simplex 5B, with muscular dystrophy. Last evaluated: 2025-08-28. Review status: criteria provided, single submitter. Criteria: Invitae Variant Classification Sherloc (09022015). Collection method: clinical testing. Allele origin: germline.

CeGaT Center for Human Genetics Tuebingen
Classification: Likely benign. Last evaluated: 2024-12-01. Review status: criteria provided, single submitter. Criteria: CeGaT Center For Human Genetics Tuebingen Variant Classification Criteria Version 2. Collection method: clinical testing. Allele origin: germline. Affected: yes. Observed: 1 variant allele.
Comment: PLEC: BP4, BP7

Blueprint Genetics
Classification: Likely benign. Last evaluated: 2024-08-12. Review status: criteria provided, single submitter. Criteria: ACMG Guidelines, 2015. Collection method: clinical testing. Allele origin: germline.

Eurofins Ntd Llc (ga)
Classification: Uncertain significance. Last evaluated: 2016-09-27. Review status: criteria provided, single submitter. Criteria: EGL Classification Definitions 2015. Collection method: clinical testing. Allele origin: germline. Observed: 1 variant allele, 1 heterozygote.